The following is an entry in ClinVar:

ClinVar aggregate classification (germline): Pathogenic (1 of 4 stars; one submission).

Conditions:
WHIM syndrome 1 (WHIMS). Identifiers: Orphanet 51636, MedGen C5542296, MONDO:8000006, OMIM 193670.

Submission:

Research Department, X4 Pharmaceuticals (Austria) GmbH
Classification: Pathogenic for WHIM syndrome 1. Last evaluated: 2025-06-03. Review status: criteria provided, single submitter. Criteria: ACMG Guidelines, 2015. Collection method: curation, in vitro. Allele origin: germline, not applicable. Inheritance: Autosomal dominant inheritance. Affected: yes. Observed: 1 variant allele, 1 heterozygote. Functional consequence: gain_of_function_variant.
Comment: The p.Ser324Profs*42 frameshift variant has been observed in an individual with clinical features of WHIM syndrome (PMID: 35947323). Experimental studies have shown that this frameshift affects CXCR4 function (PMID: 35947323). This variant is located in a region of the CXCR4 protein where a significant number of CXCR4 nonsense and frameshift mutations have been reported in association with autosomal dominant WHIM syndrome (PMID: 31313072, 32784523, 35947323, 39040098). This variant is not present in population databases (gnomAD no frequency).

Literature cited by the submitters: PubMed 35947323.

NM_003467.3(CXCR4):c.969del (p.Ser324fs)

Gene: CXCR4 (C-X-C motif chemokine receptor 4; minus strand). Cytogenetic location: 2q22.1.
Variant type: Deletion.
Coding change: c.969del on transcript NM_003467.3 (MANE Select); coding-DNA position 969, one base deleted (G; older notation c.969delG).
Protein change: p.Ser324fs; shifts the reading frame from serine 324.
Molecular consequence: frameshift variant.
Genome position (GRCh38, 1-based): chr2:136,114,959, C deleted on the plus strand (G on the coding strand, the reverse complement: CXCR4 is on the minus strand); the first of 3 consecutive C bases (chr2:136,114,959-136,114,961); deleting any one gives the same sequence. VCF-style (leftmost placement, unchanged base first): chr2-136114958-AC-A. GRCh37 (hg19) VCF-style: chr2-136872528-AC-A.
Other names: c.981del, p.Ser328fs (NM_001008540.2); c.1182del, p.Ser395fs (NM_001348056.2); c.1068del, p.Ser357fs (NM_001348059.2); c.924del, p.Ser309fs (NM_001348060.2); short protein forms S309fs, S324fs, S328fs, S357fs, S395fs.
Identifiers: ClinVar variation 3902806 (VCV003902806.2).